The following is an entry in ClinVar:

NM_020365.5(EIF2B3):c.923G>A (p.Gly308Glu)

Gene: EIF2B3 (eukaryotic translation initiation factor 2B subunit gamma; minus strand). Cytogenetic location: 1p34.1.
Variant type: single nucleotide variant.
Coding change: c.923G>A on transcript NM_020365.5 (MANE Select); coding-DNA position 923, G replaced by A.
Protein change: p.Gly308Glu; replaces glycine 308 with glutamic acid.
Molecular consequence: missense variant.
Genome position (GRCh38, 1-based): chr1:44,879,870, C>T on the plus strand (G>A on the coding strand, the complement: EIF2B3 is on the minus strand). VCF-style: chr1-44879870-C-T. GRCh37 (hg19) VCF-style: chr1-45345542-C-T.
Other names: c.923G>A, p.Gly308Glu (NM_001166588.3, NM_001261418.2); short protein forms G308E.
Identifiers: ClinVar variation 5000342 (VCV005000342.1).

ClinVar aggregate classification (germline): Uncertain significance (1 of 4 stars; one submission).

Conditions:
EIF2B3-related disorder. Also called: EIF2B3-related condition.

gnomAD v4.1: 1 of 1,614,004 alleles (0.000062%); highest among the groups gnomAD compares: African/African-American, 0.0013%; no homozygotes.

Submission:

PreventionGenetics, part of Exact Sciences
Classification: Uncertain significance for EIF2B3-related condition. Last evaluated: 2025-02-15. Review status: criteria provided, single submitter. Criteria: ACMG Guidelines, 2015. Collection method: clinical testing. Allele origin: germline.
Comment: The EIF2B3 c.923G>A variant is predicted to result in the amino acid substitution p.Gly308Glu. To our knowledge, this variant has not been reported in the literature or in a large population database (gnomAD), indicating this variant is rare. At this time, the clinical significance of this variant is uncertain due to the absence of conclusive functional and genetic evidence.